The following is an entry in ClinVar:

NM_182961.4(SYNE1):c.20960G>A (p.Ser6987Asn)

Gene: SYNE1 (spectrin repeat containing nuclear envelope protein 1; minus strand). Cytogenetic location: 6q25.2.
Variant type: single nucleotide variant.
Coding change: c.20960G>A on transcript NM_182961.4 (MANE Select); coding-DNA position 20960, G replaced by A.
Protein change: p.Ser6987Asn; replaces serine 6987 with asparagine.
Molecular consequence: missense variant.
Genome position (GRCh38, 1-based): chr6:152,231,470, C>T on the plus strand (G>A on the coding strand, the complement: SYNE1 is on the minus strand). VCF-style: chr6-152231470-C-T. GRCh37 (hg19) VCF-style: chr6-152552605-C-T.
Other names: c.20747G>A, p.Ser6916Asn (NM_033071.5); c.20747G>A (NM_033071.3); short protein forms S6916N, S6987N.
Identifiers: ClinVar variation 1403610 (VCV001403610.10), dbSNP rs779301586, ClinGen allele CA4054284.
Genomic context (GRCh38, chr6:152,231,470, plus strand): 5'-TGCAGAATTTGCCAACTTTTATTCATTGCTCCAAGTTGCTCAGCAAAATCAGTCTTATCA[C>T]TACGCTTACTTTCCACATCCTGACTGCTGATTTGTAGCACGGACTGGTTCACAAAATCCA-3'
Protein context (NP_892006.3, residues 6977-6997): ISSQDVESKR[Ser6987Asn]DKTDFAEQLG

ClinVar aggregate classification (germline): Uncertain significance. Review status: criteria provided, multiple submitters, no conflicts (2 of 4 stars). 3 submissions from 3 submitters: Uncertain significance (3). Last evaluated 2023-05-22.

Conditions:
Inborn genetic diseases. Identifiers: MedGen C0950123, MeSH D030342.
Emery-Dreifuss muscular dystrophy 4, autosomal dominant (EDMD4). Also called: EMERY-DREIFUSS MUSCULAR DYSTROPHY 4 WITH VARIABLE FEATURES. Identifiers: Orphanet 261, MedGen C2751807, MONDO:0013071, OMIM 612998.
Autosomal recessive ataxia, Beauce type. Also called: SYNE1-Related Autosomal Recessive Cerebellar Ataxia; Spinocerebellar ataxia, autosomal recessive 8; ATAXIA, RECESSIVE, OF BEAUCE; SYNE1 Deficiency. Identifiers: Orphanet 88644, MedGen C1853116, MONDO:0012549, OMIM 610743.

Allele frequency attached by ClinVar (database versions not stated): ExAC 0.00003; gnomAD exomes 0.00004; TOPMed 0.00004; gnomAD 0.00005 and 0.00008.
gnomAD v4.1: 228 of 1,614,036 alleles (0.014%); highest among the groups gnomAD compares: East Asian, 0.5%; no homozygotes.

Submissions (3):

Labcorp Genetics (formerly Invitae), Labcorp
Classification: Uncertain significance for Emery-Dreifuss muscular dystrophy 4, autosomal dominant; Autosomal recessive ataxia, Beauce type. Last evaluated: 2023-05-22. Review status: criteria provided, single submitter. Criteria: Invitae Variant Classification Sherloc (09022015). Collection method: clinical testing. Allele origin: germline.
Comment: In summary, the available evidence is currently insufficient to determine the role of this variant in disease. Therefore, it has been classified as a Variant of Uncertain Significance. An algorithm developed to predict the effect of missense changes on protein structure and function (PolyPhen-2) suggests that this variant is likely to be disruptive. ClinVar contains an entry for this variant (Variation ID: 1403610). This variant has not been reported in the literature in individuals affected with SYNE1-related conditions. This variant is present in population databases (rs779301586, gnomAD 0.06%). This sequence change replaces serine, which is neutral and polar, with asparagine, which is neutral and polar, at codon 6916 of the SYNE1 protein (p.Ser6916Asn).

Ambry Genetics
Classification: Uncertain significance for Inborn genetic diseases. Last evaluated: 2021-06-18. Review status: criteria provided, single submitter. Criteria: Ambry Variant Classification Scheme 2023. Collection method: clinical testing. Allele origin: germline.

Revvity Omics, Revvity
Classification: Uncertain significance. Last evaluated: 2019-11-08. Review status: criteria provided, single submitter. Criteria: ACMG Guidelines, 2015. Collection method: clinical testing. Allele origin: germline.